The following is an entry in ClinVar:

NM_201253.3(CRB1):c.3878+9C>T

Gene: CRB1 (crumbs cell polarity complex component 1; plus strand). Cytogenetic location: 1q31.3.
Variant type: single nucleotide variant.
Coding change: c.3878+9C>T on transcript NM_201253.3 (MANE Select); 9 bases into the intron after coding-DNA position 3878, C replaced by T.
Molecular consequence: intron variant.
Genome position (GRCh38, 1-based): chr1:197,438,684, C>T. VCF-style: chr1-197438684-C-T. GRCh37 (hg19) VCF-style: chr1-197407814-C-T.
Other names: c.3806+9C>T (NM_001257965.2); c.2270+9C>T (NM_001257966.2); c.3542+9C>T (NM_001193640.2).
Identifiers: ClinVar variation 775014 (VCV000775014.12), dbSNP rs1571564812, ClinGen allele CA915941980.

ClinVar aggregate classification (germline): Conflicting classifications of pathogenicity. Review status: criteria provided, conflicting classifications (1 of 4 stars). 3 submissions from 3 submitters: Uncertain significance (1); Likely benign (2). Last evaluated 2024-09-12.

Conditions:
Retinitis pigmentosa 12 (RP12). Also called: RP WITH OR WITHOUT PRESERVED PARAARTERIOLE RETINAL PIGMENT EPITHELIUM; RETINITIS PIGMENTOSA WITH OR WITHOUT PARAARTERIOLAR PRESERVATION OF RETINAL PIGMENT EPITHELIUM; RP WITH OR WITHOUT PPRPE. Identifiers: Orphanet 791, MedGen C1838647, MONDO:0010818, OMIM 600105.
Leber congenital amaurosis 8 (LCA8). Identifiers: Orphanet 65, MedGen C3151202, MONDO:0013453, OMIM 613835.
Pigmented paravenous retinochoroidal atrophy. Identifiers: Orphanet 251295, MedGen C1868310, MONDO:0008246, OMIM 172870.

Allele frequency attached by ClinVar (database versions not stated): gnomAD exomes 0.00002.
gnomAD v4.1: 10 of 1,611,368 alleles (0.00062%); highest among the groups gnomAD compares: South Asian, 0.0011%; no homozygotes.

Submissions (3):

Blueprint Genetics
Classification: Likely benign. Last evaluated: 2024-09-12. Review status: criteria provided, single submitter. Criteria: ACMG Guidelines, 2015. Collection method: clinical testing. Allele origin: germline.

Labcorp Genetics (formerly Invitae), Labcorp
Classification: Likely benign for Leber congenital amaurosis 8; Retinitis pigmentosa 12. Last evaluated: 2022-11-28. Review status: criteria provided, single submitter. Criteria: Invitae Variant Classification Sherloc (09022015). Collection method: clinical testing. Allele origin: germline.

Centre for Mendelian Genomics, University Medical Centre Ljubljana
Classification: Uncertain significance for Pigmented paravenous retinochoroidal atrophy. Last evaluated: 2019-03-17. Review status: criteria provided, single submitter. Criteria: ACMG Guidelines, 2015. Collection method: clinical testing. Allele origin: unknown. Affected: yes.
Comment: This variant was classified as: Uncertain significance. The available evidence on this variant's pathogenicity is insufficient or conflicting. The following ACMG criteria were applied in classifying this variant: PM2.